The following is an entry in ClinVar:

NM_015512.5(DNAH1):c.12044T>C (p.Leu4015Pro)

Gene: DNAH1 (dynein axonemal heavy chain 1; plus strand). Cytogenetic location: 3p21.1.
Variant type: single nucleotide variant.
Coding change: c.12044T>C on transcript NM_015512.5 (MANE Select); coding-DNA position 12044, T replaced by C.
Protein change: p.Leu4015Pro; replaces leucine 4015 with proline.
Molecular consequence: missense variant.
Genome position (GRCh38, 1-based): chr3:52,398,117, T>C. VCF-style: chr3-52398117-T-C. GRCh37 (hg19) VCF-style: chr3-52432133-T-C.
Other names: short protein forms L4015P.
Identifiers: ClinVar variation 3748335 (VCV003748335.2).

ClinVar aggregate classification (germline): Uncertain significance (1 of 4 stars; one submission).

Conditions:
Spermatogenic failure 18. Identifiers: MedGen C4539783, MONDO:0054615, OMIM 617576.
Ciliary dyskinesia, primary, 37 (CILD37). Also called: CILIARY DYSKINESIA, PRIMARY, 37, WITH OR WITHOUT SITUS INVERSUS. Identifiers: MedGen C4539798, MONDO:0033204, OMIM 617577.

gnomAD v4.1: 3 of 1,613,780 alleles (0.00019%); highest among the groups gnomAD compares: Non-Finnish European, 0.00025%; no homozygotes.

Submission:

Labcorp Genetics (formerly Invitae), Labcorp
Classification: Uncertain significance for Ciliary dyskinesia, primary, 37; Spermatogenic failure 18. Last evaluated: 2024-06-19. Review status: criteria provided, single submitter. Criteria: Invitae Variant Classification Sherloc (09022015). Collection method: clinical testing. Allele origin: germline.
Comment: This sequence change replaces leucine, which is neutral and non-polar, with proline, which is neutral and non-polar, at codon 4015 of the DNAH1 protein (p.Leu4015Pro). This variant is not present in population databases (gnomAD no frequency). This variant has not been reported in the literature in individuals affected with DNAH1-related conditions. An algorithm developed to predict the effect of missense changes on protein structure and function (PolyPhen-2) suggests that this variant is likely to be disruptive. In summary, the available evidence is currently insufficient to determine the role of this variant in disease. Therefore, it has been classified as a Variant of Uncertain Significance.